The following is an entry in ClinVar:

ClinVar aggregate classification (germline): Uncertain significance (1 of 4 stars; one submission).

Conditions:
Charcot-Marie-Tooth disease type 4. Also called: Charcot-Marie-Tooth, Type 4; Charcot-Marie-Tooth disease, type IV. Identifiers: Orphanet 64749, MedGen C4082197, MONDO:0018995.

gnomAD v4.1: 1 of 1,614,018 alleles (0.000062%); highest among the groups gnomAD compares: Non-Finnish European, 0.000085%; no homozygotes.

Submission:

Labcorp Genetics (formerly Invitae), Labcorp
Classification: Uncertain significance for Charcot-Marie-Tooth disease type 4. Last evaluated: 2021-05-19. Review status: criteria provided, single submitter. Criteria: Invitae Variant Classification Sherloc (09022015). Collection method: clinical testing. Allele origin: germline.
Comment: In summary, the available evidence is currently insufficient to determine the role of this variant in disease. Therefore, it has been classified as a Variant of Uncertain Significance. Advanced modeling of protein sequence and biophysical properties (such as structural, functional, and spatial information, amino acid conservation, physicochemical variation, residue mobility, and thermodynamic stability) performed at Invitae indicates that this missense variant is not expected to disrupt SH3TC2 protein function. This variant has not been reported in the literature in individuals with SH3TC2-related conditions. This variant is not present in population databases (ExAC no frequency). This sequence change replaces leucine with methionine at codon 99 of the SH3TC2 protein (p.Leu99Met). The leucine residue is highly conserved and there is a small physicochemical difference between leucine and methionine.

NM_024577.4(SH3TC2):c.295T>A (p.Leu99Met)

Gene: SH3TC2 (SH3 domain and tetratricopeptide repeats 2; minus strand). Cytogenetic location: 5q32.
Variant type: single nucleotide variant.
Coding change: c.295T>A on transcript NM_024577.4 (MANE Select); coding-DNA position 295, T replaced by A.
Protein change: p.Leu99Met; replaces leucine 99 with methionine.
Molecular consequence: missense variant.
Genome position (GRCh38, 1-based): chr5:149,044,623, A>T on the plus strand (T>A on the coding strand, the complement: SH3TC2 is on the minus strand). VCF-style: chr5-149044623-A-T. GRCh37 (hg19) VCF-style: chr5-148424186-A-T.
Other names: short protein forms L99M.
Identifiers: ClinVar variation 1361296 (VCV001361296.8), dbSNP rs1561770787, ClinGen allele CA361677004.